The following is an entry in ClinVar:

ClinVar aggregate classification (germline): Uncertain significance. Review status: criteria provided, multiple submitters, no conflicts (2 of 4 stars). 2 submissions from 2 submitters: Uncertain significance (2). Last evaluated 2024-01-08.

Conditions:
Inborn genetic diseases. Identifiers: MedGen C0950123, MeSH D030342.
Retinitis pigmentosa 73 (RP73). Identifiers: Orphanet 791, MedGen C4225287, MONDO:0014687, OMIM 616544.
Mucopolysaccharidosis, MPS-III-C (MPS3C). Also called: SANFILIPPO SYNDROME C; MPS IIIC (Sanfilippo Syndrome Type C); MPS III C; Mucopolysaccharidosis type IIIC (Sanfilippo C); MUCOPOLYSACCHARIDOSIS, TYPE IIIC; mucopolysaccharidosis type 3C. Identifiers: Orphanet 581, Orphanet 79271, MedGen C0086649, MONDO:0009657, OMIM 252930.

Allele frequency attached by ClinVar (database versions not stated): TOPMed 0.00005; gnomAD 0.00001.
gnomAD v4.1: 5 of 1,100,782 alleles (0.00045%); highest among the groups gnomAD compares: Admixed American, 0.016%; no homozygotes.

Submissions (2):

Ambry Genetics
Classification: Uncertain significance for Inborn genetic diseases. Last evaluated: 2024-01-08. Review status: criteria provided, single submitter. Criteria: Ambry Variant Classification Scheme 2023. Collection method: clinical testing. Allele origin: germline.

Labcorp Genetics (formerly Invitae), Labcorp
Classification: Uncertain significance for Retinitis pigmentosa 73; Mucopolysaccharidosis, MPS-III-C. Last evaluated: 2022-02-28. Review status: criteria provided, single submitter. Criteria: Invitae Variant Classification Sherloc (09022015). Collection method: clinical testing. Allele origin: germline.
Comment: This sequence change replaces alanine, which is neutral and non-polar, with proline, which is neutral and non-polar, at codon 10 of the HGSNAT protein (p.Ala10Pro). This variant is not present in population databases (gnomAD no frequency). This variant has not been reported in the literature in individuals affected with HGSNAT-related conditions. Advanced modeling of protein sequence and biophysical properties (such as structural, functional, and spatial information, amino acid conservation, physicochemical variation, residue mobility, and thermodynamic stability) performed at Invitae indicates that this missense variant is not expected to disrupt HGSNAT protein function. In summary, the available evidence is currently insufficient to determine the role of this variant in disease. Therefore, it has been classified as a Variant of Uncertain Significance.

NM_152419.3(HGSNAT):c.28G>C (p.Ala10Pro)

Genes: HGSNAT (heparan-alpha-glucosaminide N-acetyltransferase; plus strand), LOC130000316 (ATAC-STARR-seq lymphoblastoid silent region 19164; plus strand). Cytogenetic location: 8p11.21.
Variant type: single nucleotide variant.
Coding change: c.28G>C on transcript NM_152419.3 (MANE Select); coding-DNA position 28, G replaced by C.
Protein change: p.Ala10Pro; replaces alanine 10 with proline.
Molecular consequence: missense variant. On other transcripts: 5 prime UTR variant (1).
Genome position (GRCh38, 1-based): chr8:43,140,524, G>C. VCF-style: chr8-43140524-G-C. GRCh37 (hg19) VCF-style: chr8-42995667-G-C.
Other names: c.28G>C (NM_152419.2); c.28G>C, p.Ala10Pro (NM_001363227.2, NM_001363228.2); c.-806G>C (NM_001363229.2); short protein forms A10P.
Identifiers: ClinVar variation 2419913 (VCV002419913.5), dbSNP rs1802478718, ClinGen allele CA371124540.